The following is an entry in ClinVar:

ClinVar aggregate classification (germline): Uncertain significance (1 of 4 stars; one submission).

Allele frequency attached by ClinVar (database versions not stated): gnomAD exomes below 0.00001; TOPMed 0.00001.

Submission:

Labcorp Genetics (formerly Invitae), Labcorp
Classification: Uncertain significance. Last evaluated: 2023-05-20. Review status: criteria provided, single submitter. Criteria: Invitae Variant Classification Sherloc (09022015). Collection method: clinical testing. Allele origin: germline.
Comment: In summary, the available evidence is currently insufficient to determine the role of this variant in disease. Therefore, it has been classified as a Variant of Uncertain Significance. Advanced modeling of protein sequence and biophysical properties (such as structural, functional, and spatial information, amino acid conservation, physicochemical variation, residue mobility, and thermodynamic stability) has been performed at Invitae for this missense variant, however the output from this modeling did not meet the statistical confidence thresholds required to predict the impact of this variant on FN1 protein function. ClinVar contains an entry for this variant (Variation ID: 1490274). This variant has not been reported in the literature in individuals affected with FN1-related conditions. This variant is not present in population databases (gnomAD no frequency). This sequence change replaces arginine, which is basic and polar, with cysteine, which is neutral and slightly polar, at codon 114 of the FN1 protein (p.Arg114Cys).

NM_212482.4(FN1):c.340C>T (p.Arg114Cys)

Genes: FN1 (fibronectin 1; minus strand), LOC126806499 (CDK7 strongly-dependent group 2 enhancer GRCh37_chr2:216298103-216299302; plus strand). Cytogenetic location: 2q35.
Variant type: single nucleotide variant.
Coding change: c.340C>T on transcript NM_212482.4 (MANE Select); coding-DNA position 340, C replaced by T.
Protein change: p.Arg114Cys; replaces arginine 114 with cysteine.
Molecular consequence: missense variant.
Genome position (GRCh38, 1-based): chr2:215,433,399, G>A on the plus strand (C>T on the coding strand, the complement: FN1 is on the minus strand). VCF-style: chr2-215433399-G-A. GRCh37 (hg19) VCF-style: chr2-216298122-G-A.
Other names: c.340C>T, p.Arg114Cys (NM_001306129.2, NM_001306130.2, NM_001306131.2 and 14 more transcripts); short protein forms R114C.
Identifiers: ClinVar variation 1490274 (VCV001490274.6), dbSNP rs2066876870, ClinGen allele CA350478809.
Genomic context (GRCh38, chr2:215,433,399, plus strand): 5'-TTATTCTCCCTCGCCCAGCCCCGATGCAGGTACAGTCCCAGATCATGGAGTCTTTAGGAC[G>A]CTCATAAGTGTCACCCACTCGGTAAGTGTTCCCAGTGTACTTGTCAAAGCAAGTCTCTTC-3'
Protein context (NP_997647.2, residues 104-124): NTYRVGDTYE[Arg114Cys]PKDSMIWDCT